The following is an entry in ClinVar:

ClinVar aggregate classification (germline): Uncertain significance (1 of 4 stars; one submission).

Conditions:
Malignant hyperthermia, susceptibility to, 1 (MHS1). Also called: Anesthesia related hyperthermia; Malignant hyperpyrexia; Fulminating hyperpyrexia; Pharmacogenic myopathy; RYR1-Related Malignant Hyperthermia Susceptibility; Malignant hyperthermia suceptibility 1. Identifiers: Orphanet 423, MedGen C2930980, MONDO:0007783, OMIM 145600.

Submission:

All of Us Research Program, National Institutes of Health
Classification: Uncertain significance for Malignant hyperthermia, susceptibility to, 1. Last evaluated: 2023-12-13. Review status: criteria provided, single submitter. Criteria: ACMG Guidelines, 2015. Collection method: clinical testing. Allele origin: germline. Inheritance: Autosomal dominant inheritance. Observed: 1 variant allele, 1 heterozygote.
Comment: This missense variant replaces glutamic acid with glutamine at codon 4125 of the RYR1 protein. Computational prediction suggests that this variant may not impact protein structure and function (internally defined REVEL score threshold <= 0.5, PMID: 27666373). To our knowledge, functional studies have not been reported for this variant. This variant has not been reported in individuals affected with RYR1-related disorders in the literature. This variant has not been identified in the general population by the Genome Aggregation Database (gnomAD). The available evidence is insufficient to determine the role of this variant in disease conclusively. Therefore, this variant is classified as a Variant of Uncertain Significance.

This study involves interpretation of variants in research participants for the purpose of population health screening. Participant phenotype was not available at the time of variant classification. Additional details can be found in publication PMID: 35346344, PMCID: PMC8962531

NM_000540.3(RYR1):c.12373G>C (p.Glu4125Gln)

Gene: RYR1 (ryanodine receptor 1; plus strand). Cytogenetic location: 19q13.2.
Variant type: single nucleotide variant.
Coding change: c.12373G>C on transcript NM_000540.3 (MANE Select); coding-DNA position 12373, G replaced by C.
Protein change: p.Glu4125Gln; replaces glutamic acid 4125 with glutamine.
Molecular consequence: missense variant.
Genome position (GRCh38, 1-based): chr19:38,561,203, G>C. VCF-style: chr19-38561203-G-C. GRCh37 (hg19) VCF-style: chr19-39051843-G-C.
Other names: c.12358G>C, p.Glu4120Gln (NM_001042723.2); short protein forms E4120Q, E4125Q.
Identifiers: ClinVar variation 3074797 (VCV003074797.1), dbSNP rs1973119741, ClinGen allele CA405668465.